The following is an entry in ClinVar:

NM_024642.5(GALNT12):c.31C>T (p.Pro11Ser)

Gene: GALNT12 (polypeptide N-acetylgalactosaminyltransferase 12; plus strand). Cytogenetic location: 9q22.33.
Variant type: single nucleotide variant.
Coding change: c.31C>T on transcript NM_024642.5 (MANE Select); coding-DNA position 31, C replaced by T.
Protein change: p.Pro11Ser; replaces proline 11 with serine.
Molecular consequence: missense variant.
Genome position (GRCh38, 1-based): chr9:98,807,729, C>T. VCF-style: chr9-98807729-C-T. GRCh37 (hg19) VCF-style: chr9-101570011-C-T.
Other names: short protein forms P11S.
Identifiers: ClinVar variation 4670610 (VCV004670610.1).

ClinVar aggregate classification (germline): Uncertain significance (1 of 4 stars; one submission).

Submission:

Ambry Genetics
Classification: Uncertain significance. Last evaluated: 2025-11-16. Review status: criteria provided, single submitter. Criteria: Ambry Variant Classification Scheme 2023. Collection method: clinical testing. Allele origin: germline.
Comment: The p.P11S variant (also known as c.31C>T), located in coding exon 1 of the GALNT12 gene, results from a C to T substitution at nucleotide position 31. The proline at codon 11 is replaced by serine, an amino acid with similar properties. This amino acid position is conserved. In addition, this alteration is predicted to be tolerated by in silico analysis. Based on the available evidence, the clinical significance of this variant remains unclear.